The following is an entry in ClinVar:

NM_001005242.3(PKP2):c.2234T>C (p.Ile745Thr)

Gene: PKP2 (plakophilin 2; minus strand). Cytogenetic location: 12p11.21.
Variant type: single nucleotide variant.
Coding change: c.2234T>C on transcript NM_001005242.3 (MANE Select); coding-DNA position 2234, T replaced by C.
Protein change: p.Ile745Thr; replaces isoleucine 745 with threonine.
Molecular consequence: missense variant.
Genome position (GRCh38, 1-based): chr12:32,796,232, A>G on the plus strand (T>C on the coding strand, the complement: PKP2 is on the minus strand). VCF-style: chr12-32796232-A-G. GRCh37 (hg19) VCF-style: chr12-32949166-A-G.
Other names: c.2366T>C, p.Ile789Thr (NM_004572.4); short protein forms I789T, I745T.
Identifiers: ClinVar variation 575611 (VCV000575611.20), dbSNP rs543233804, ClinGen allele CA034987.

ClinVar aggregate classification (germline): Uncertain significance. Review status: criteria provided, multiple submitters, no conflicts (2 of 4 stars). 5 submissions from 5 submitters: Uncertain significance (5). Last evaluated 2025-08-24.

Conditions:
Cardiovascular phenotype. Identifiers: MedGen CN230736.
Arrhythmogenic right ventricular dysplasia 9 (ARVD9). Also called: Arrhythmogenic Right Ventricular Dysplasia/Cardiomyopathy 9; ARRHYTHMOGENIC RIGHT VENTRICULAR DYSPLASIA, FAMILIAL, 9. Identifiers: MedGen C1836906, MONDO:0012180, OMIM 609040.
Cardiomyopathy (CMYO). Also called: Cardiomyopathies. Identifiers: Orphanet 167848, MedGen C0878544, MONDO:0004994, HP:0001638. Inheritance: Various modes of inheritance.
Arrhythmogenic right ventricular cardiomyopathy (ARVD). Also called: Arrhythmogenic cardiomyopathy; Arrhythmogenic Right Ventricular Cardiomyopathy (ARVC); Cardiomyopathy, ARVC; Arrhythmogenic right ventricular dysplasia. Identifiers: Orphanet 247, MedGen C0349788, MeSH D019571, MONDO:0016587. Disease mechanism: loss of function. Inheritance: Various modes of inheritance.

Allele frequency attached by ClinVar (database versions not stated): gnomAD 0.00002 and 0.00003; TOPMed 0.00003; 1000 Genomes Project 30x 0.00016; 1000 Genomes Project 0.00020.
gnomAD v4.1: 27 of 1,613,928 alleles (0.0017%); highest among the groups gnomAD compares: Middle Eastern, 0.033%; no homozygotes.

Submissions (5):

Labcorp Genetics (formerly Invitae), Labcorp
Classification: Uncertain significance for Arrhythmogenic right ventricular dysplasia 9. Last evaluated: 2025-08-24. Review status: criteria provided, single submitter. Criteria: Invitae Variant Classification Sherloc (09022015). Collection method: clinical testing. Allele origin: germline.
Comment: This sequence change replaces isoleucine, which is neutral and non-polar, with threonine, which is neutral and polar, at codon 789 of the PKP2 protein (p.Ile789Thr). This variant is present in population databases (rs543233804, gnomAD 0.02%). This missense change has been observed in individual(s) with clinical features of PKP2-related conditions (internal data). ClinVar contains an entry for this variant (Variation ID: 575611). An algorithm developed to predict the effect of missense changes on protein structure and function outputs the following: PolyPhen-2: "Benign". The threonine amino acid residue is found in multiple mammalian species, which suggests that this missense change does not adversely affect protein function. In summary, the available evidence is currently insufficient to determine the role of this variant in disease. Therefore, it has been classified as a Variant of Uncertain Significance.

Ambry Genetics
Classification: Uncertain significance for Cardiovascular phenotype. Last evaluated: 2025-02-04. Review status: criteria provided, single submitter. Criteria: Ambry Variant Classification Scheme 2023. Collection method: clinical testing. Allele origin: germline.
Comment: The p.I789T variant (also known as c.2366T>C), located in coding exon 12 of the PKP2 gene, results from a T to C substitution at nucleotide position 2366. The isoleucine at codon 789 is replaced by threonine, an amino acid with similar properties. This amino acid position is not well conserved in available vertebrate species, and threonine is the reference amino acid in other vertebrate species. In addition, this alteration is predicted to be tolerated by in silico analysis. Since supporting evidence is limited at this time, the clinical significance of this alteration remains unclear.

All of Us Research Program, National Institutes of Health
Classification: Uncertain significance for Arrhythmogenic right ventricular cardiomyopathy. Last evaluated: 2024-09-23. Review status: criteria provided, single submitter. Criteria: ACMG Guidelines, 2015. Collection method: clinical testing. Allele origin: germline. Inheritance: Autosomal dominant inheritance. Observed: 10 variant alleles, 9 heterozygotes, 1 hemizygote.
Comment: This missense variant replaces isoleucine with threonine at codon 789 of the PKP2 protein. Computational prediction suggests that this variant may not impact protein structure and function (internally defined REVEL score threshold <= 0.5, PMID: 27666373). To our knowledge, functional studies have not been reported for this variant. This variant has not been reported in individuals affected with cardiovascular disorders in the literature. This variant has not been identified in the general population by the Genome Aggregation Database (gnomAD). The available evidence is insufficient to determine the role of this variant in disease conclusively. Therefore, this variant is classified as a Variant of Uncertain Significance.

This study involves interpretation of variants in research participants for the purpose of population health screening. Participant phenotype was not available at the time of variant classification. Additional details can be found in publication PMID: 35346344, PMCID: PMC8962531

Color Diagnostics, LLC DBA Color Health
Classification: Uncertain significance for Cardiomyopathy. Last evaluated: 2024-03-06. Review status: criteria provided, single submitter. Criteria: ACMG Guidelines, 2015. Collection method: clinical testing. Allele origin: germline.
Comment: This missense variant replaces isoleucine with threonine at codon 789 of the PKP2 protein. Computational prediction suggests that this variant may not impact protein structure and function (internally defined REVEL score threshold <= 0.5, PMID: 27666373). To our knowledge, functional studies have not been reported for this variant. This variant has not been reported in individuals affected with cardiovascular disorders in the literature. This variant has not been identified in the general population by the Genome Aggregation Database (gnomAD). The available evidence is insufficient to determine the role of this variant in disease conclusively. Therefore, this variant is classified as a Variant of Uncertain Significance.

GeneDx
Classification: Uncertain significance. Last evaluated: 2021-02-05. Review status: criteria provided, single submitter. Criteria: GeneDx Variant Classification Process June 2021. Collection method: clinical testing. Allele origin: germline. Affected: yes.
Comment: Has not been previously published as pathogenic or benign to our knowledge; Reported in ClinVar as a variant of uncertain significance (ClinVar Variant ID# 575611; Landrum et al., 2016); In silico analysis supports that this missense variant does not alter protein structure/function